The following is an entry in ClinVar:

ClinVar aggregate classification (germline): Uncertain significance (1 of 4 stars; one submission).

Conditions:
Distal hereditary motor neuropathy type 2. Identifiers: Orphanet 139525, MedGen C3711384, MeSH C580044, MONDO:0015352.

Allele frequency attached by ClinVar (database versions not stated): gnomAD exomes below 0.00001; ExAC 0.00002; gnomAD 0.00002; TOPMed 0.00004.
gnomAD v4.1: 8 of 1,614,070 alleles (0.0005%); highest among the groups gnomAD compares: African/African-American, 0.011%; no homozygotes.

Submission:

Labcorp Genetics (formerly Invitae), Labcorp
Classification: Uncertain significance for Distal hereditary motor neuropathy type 2. Last evaluated: 2024-11-11. Review status: criteria provided, single submitter. Criteria: Invitae Variant Classification Sherloc (09022015). Collection method: clinical testing. Allele origin: germline.
Comment: This sequence change replaces arginine, which is basic and polar, with glycine, which is neutral and non-polar, at codon 780 of the FBXO38 protein (p.Arg780Gly). This variant is present in population databases (rs749448948, gnomAD 0.01%). This variant has not been reported in the literature in individuals affected with FBXO38-related conditions. ClinVar contains an entry for this variant (Variation ID: 2720718). Invitae Evidence Modeling of protein sequence and biophysical properties (such as structural, functional, and spatial information, amino acid conservation, physicochemical variation, residue mobility, and thermodynamic stability) indicates that this missense variant is not expected to disrupt FBXO38 protein function with a negative predictive value of 80%. In summary, the available evidence is currently insufficient to determine the role of this variant in disease. Therefore, it has been classified as a Variant of Uncertain Significance.

NM_205836.3(FBXO38):c.2338A>G (p.Arg780Gly)

Gene: FBXO38 (F-box protein 38; plus strand). Cytogenetic location: 5q32.
Variant type: single nucleotide variant.
Coding change: c.2338A>G on transcript NM_205836.3 (MANE Select); coding-DNA position 2338, A replaced by G.
Protein change: p.Arg780Gly; replaces arginine 780 with glycine.
Molecular consequence: missense variant. On other transcripts: intron variant (1).
Genome position (GRCh38, 1-based): chr5:148,427,632, A>G. VCF-style: chr5-148427632-A-G. GRCh37 (hg19) VCF-style: chr5-147807195-A-G.
Other names: c.2338A>G, p.Arg780Gly (NM_030793.5); c.1918+1931A>G (NM_001271723.2); short protein forms R780G.
Identifiers: ClinVar variation 2720718 (VCV002720718.3), dbSNP rs749448948, ClinGen allele CA3497496.